The following is an entry in ClinVar:

NM_001080421.3(UNC13A):c.2663A>G (p.Tyr888Cys)

Gene: UNC13A (unc-13 homolog A; minus strand). Cytogenetic location: 19p13.11.
Variant type: single nucleotide variant.
Coding change: c.2663A>G on transcript NM_001080421.3 (MANE Select); coding-DNA position 2663, A replaced by G.
Protein change: p.Tyr888Cys; replaces tyrosine 888 with cysteine.
Molecular consequence: missense variant.
Genome position (GRCh38, 1-based): chr19:17,640,635, T>C on the plus strand (A>G on the coding strand, the complement: UNC13A is on the minus strand). VCF-style: chr19-17640635-T-C. GRCh37 (hg19) VCF-style: chr19-17751444-T-C.
Other names: c.2657A>G, p.Tyr886Cys (NM_001387021.1, NM_001387022.1, NM_001387023.1); short protein forms Y886C, Y888C.
Identifiers: ClinVar variation 2499867 (VCV002499867.2), dbSNP rs2513046878, ClinGen allele CA404713853.

ClinVar aggregate classification (germline): Uncertain significance (1 of 4 stars; one submission).

Submission:

GeneDx
Classification: Uncertain significance. Last evaluated: 2026-07-15. Review status: criteria provided, single submitter. Criteria: GeneDx Variant Classification Process June 2021. Collection method: clinical testing. Allele origin: germline.
Comment: Not observed at significant frequency in large population cohorts (gnomAD); In silico analysis supports that this missense variant has a deleterious effect on protein structure/function; Has not been previously published as pathogenic or benign to our knowledge